The following is an entry in ClinVar:

ClinVar aggregate classification (germline): Uncertain significance (1 of 4 stars; one submission).

Conditions:
Cardiomyopathy (CMYO). Also called: Cardiomyopathies. Identifiers: Orphanet 167848, MedGen C0878544, MONDO:0004994, HP:0001638. Inheritance: Various modes of inheritance.

Submission:

Color Diagnostics, LLC DBA Color Health
Classification: Uncertain significance for Cardiomyopathy. Last evaluated: 2023-12-05. Review status: criteria provided, single submitter. Criteria: ACMG Guidelines, 2015. Collection method: clinical testing. Allele origin: germline.
Comment: Variant of Uncertain Significance due to insufficient evidence: This missense variant is located in the cytoplasmic domain of the TMEM43 protein. Computational prediction tools and conservation analyses suggest that this variant may not impact the protein function. Computational splicing tools suggest that this variant may not impact RNA splicing. To our knowledge, functional assays have not been performed for this variant nor has this variant been reported in individuals affected with cardiovascular disorders in the literature. This variant is rare in the general population and has been identified in 0/277264 chromosomes by the Genome Aggregation Database (gnomAD). Available evidence is insufficient to determine the pathogenicity of this variant conclusively.

NM_024334.3(TMEM43):c.109T>C (p.Phe37Leu)

Gene: TMEM43 (transmembrane protein 43; plus strand). Cytogenetic location: 3p25.1.
Variant type: single nucleotide variant.
Coding change: c.109T>C on transcript NM_024334.3 (MANE Select); coding-DNA position 109, T replaced by C.
Protein change: p.Phe37Leu; replaces phenylalanine 37 with leucine.
Molecular consequence: missense variant.
Genome position (GRCh38, 1-based): chr3:14,129,508, T>C. VCF-style: chr3-14129508-T-C. GRCh37 (hg19) VCF-style: chr3-14171008-T-C.
Other names: short protein forms F37L.
Identifiers: ClinVar variation 926102 (VCV000926102.5), dbSNP rs1695064937, ClinGen allele CA351534354.